The following is an entry in ClinVar:

ClinVar aggregate classification (germline): Uncertain significance. Review status: criteria provided, multiple submitters, no conflicts (2 of 4 stars). 2 submissions from 2 submitters: Uncertain significance (2). Last evaluated 2023-07-07.

Conditions:
Familial acute necrotizing encephalopathy (IIAE3). Also called: ENCEPHALOPATHY, ACUTE, INFECTION-INDUCED, SUSCEPTIBILITY TO, 3; Susceptibility to Acute Necrotizing Encephalopathy 1. Identifiers: Orphanet 88619, MedGen C2675556, MONDO:0011953, OMIM 608033.

Allele frequency attached by ClinVar (database versions not stated): TOPMed 0.00001.
gnomAD v4.1: 2 of 1,610,076 alleles (0.00012%); highest among the groups gnomAD compares: Admixed American, 0.0033%; no homozygotes.

Submissions (2):

Labcorp Genetics (formerly Invitae), Labcorp
Classification: Uncertain significance for Familial acute necrotizing encephalopathy. Last evaluated: 2023-07-07. Review status: criteria provided, single submitter. Criteria: Invitae Variant Classification Sherloc (09022015). Collection method: clinical testing. Allele origin: germline.
Comment: This variant has not been reported in the literature in individuals affected with RANBP2-related conditions. This sequence change replaces aspartic acid, which is acidic and polar, with glycine, which is neutral and non-polar, at codon 2437 of the RANBP2 protein (p.Asp2437Gly). This variant is not present in population databases (gnomAD no frequency). ClinVar contains an entry for this variant (Variation ID: 1004620). Advanced modeling of protein sequence and biophysical properties (such as structural, functional, and spatial information, amino acid conservation, physicochemical variation, residue mobility, and thermodynamic stability) performed at Invitae indicates that this missense variant is not expected to disrupt RANBP2 protein function. In summary, the available evidence is currently insufficient to determine the role of this variant in disease. Therefore, it has been classified as a Variant of Uncertain Significance.

Ambry Genetics
Classification: Uncertain significance. Last evaluated: 2023-06-23. Review status: criteria provided, single submitter. Criteria: Ambry Variant Classification Scheme 2023. Collection method: clinical testing. Allele origin: germline.

NM_006267.5(RANBP2):c.7310A>G (p.Asp2437Gly)

Gene: RANBP2 (RAN binding protein 2; plus strand). Cytogenetic location: 2q13.
Variant type: single nucleotide variant.
Coding change: c.7310A>G on transcript NM_006267.5 (MANE Select); coding-DNA position 7310, A replaced by G.
Protein change: p.Asp2437Gly; replaces aspartic acid 2437 with glycine.
Molecular consequence: missense variant.
Genome position (GRCh38, 1-based): chr2:108,767,849, A>G. VCF-style: chr2-108767849-A-G. GRCh37 (hg19) VCF-style: chr2-109384305-A-G.
Other names: c.7310A>G (NM_006267.4); short protein forms D2437G.
Identifiers: ClinVar variation 1004620 (VCV001004620.11), dbSNP rs1414328580, ClinGen allele CA348077536.